The following is an entry in ClinVar:

ClinVar aggregate classification (germline): Likely benign. Review status: criteria provided, multiple submitters, no conflicts (2 of 4 stars). 2 submissions from 2 submitters: Likely benign (2). Last evaluated 2024-07-12.

Allele frequency attached by ClinVar (database versions not stated): gnomAD 0.00001; ExAC 0.00002; TOPMed 0.00002; ESP Exome Variant Server 0.00008.
gnomAD v4.1: 19 of 1,571,154 alleles (0.0012%); highest among the groups gnomAD compares: Admixed American, 0.0039%; no homozygotes.

Submissions (2):

Labcorp Genetics (formerly Invitae), Labcorp
Classification: Likely benign. Last evaluated: 2024-07-12. Review status: criteria provided, single submitter. Criteria: Invitae Variant Classification Sherloc (09022015). Collection method: clinical testing. Allele origin: germline.

CeGaT Center for Human Genetics Tuebingen
Classification: Likely benign. Last evaluated: 2022-07-01. Review status: criteria provided, single submitter. Criteria: CeGaT Center For Human Genetics Tuebingen Variant Classification Criteria Version 2. Collection method: clinical testing. Allele origin: germline. Affected: yes. Observed: 1 variant allele.
Comment: STAG1: BP4, BP7

NM_005862.3(STAG1):c.3276G>A (p.Glu1092=)

Gene: STAG1 (STAG1 cohesin complex component; minus strand). Cytogenetic location: 3q22.3.
Variant type: single nucleotide variant.
Coding change: c.3276G>A on transcript NM_005862.3 (MANE Select); coding-DNA position 3276, G replaced by A.
Protein change: p.Glu1092=; no amino-acid change (glutamic acid 1092 retained).
Molecular consequence: synonymous variant.
Genome position (GRCh38, 1-based): chr3:136,344,002, C>T on the plus strand (G>A on the coding strand, the complement: STAG1 is on the minus strand). VCF-style: chr3-136344002-C-T. GRCh37 (hg19) VCF-style: chr3-136062844-C-T.
Identifiers: ClinVar variation 2654172 (VCV002654172.26), dbSNP rs372448385, ClinGen allele CA2632417.